The following is an entry in ClinVar:

NM_001354930.2(RIPK1):c.1031A>G (p.His344Arg)

Gene: RIPK1 (receptor interacting serine/threonine kinase 1; plus strand). Cytogenetic location: 6p25.2.
Variant type: single nucleotide variant.
Coding change: c.1031A>G on transcript NM_001354930.2 (MANE Select); coding-DNA position 1031, A replaced by G.
Protein change: p.His344Arg; replaces histidine 344 with arginine.
Molecular consequence: missense variant.
Genome position (GRCh38, 1-based): chr6:3,105,506, A>G. VCF-style: chr6-3105506-A-G. GRCh37 (hg19) VCF-style: chr6-3105740-A-G.
Other names: c.542A>G, p.His181Arg (NM_001317061.3, NM_001354932.2, NM_001354933.2 and 1 more transcripts); c.893A>G, p.His298Arg (NM_001354931.2); c.1031A>G, p.His344Arg (NM_003804.6); short protein forms H298R, H181R, H344R.
Identifiers: ClinVar variation 1483536 (VCV001483536.8), dbSNP rs1760799992, ClinGen allele CA362570570.
Genomic context (GRCh38, chr6:3,105,506, plus strand): 5'-ATGACACCCATTCTAATGTTGATCATTTCTTCTCAGCCACAGAACAGCCTGGTTCACTGC[A>G]CAGTTCCCAGGGACTTGGGATGGGTCCTGTGGAGGAGTCCTGGTTTGCTCCTTCCCTGGA-3'
Protein context (NP_001341859.1, residues 334-354): NSATEQPGSL[His344Arg]SSQGLGMGPV

ClinVar aggregate classification (germline): Uncertain significance (1 of 4 stars; one submission).

Allele frequency attached by ClinVar (database versions not stated): TOPMed below 0.00001.

Submission:

Labcorp Genetics (formerly Invitae), Labcorp
Classification: Uncertain significance. Last evaluated: 2022-08-19. Review status: criteria provided, single submitter. Criteria: Invitae Variant Classification Sherloc (09022015). Collection method: clinical testing. Allele origin: germline.
Comment: This variant has not been reported in the literature in individuals affected with RIPK1-related conditions. This variant is not present in population databases (gnomAD no frequency). This sequence change replaces histidine, which is basic and polar, with arginine, which is basic and polar, at codon 344 of the RIPK1 protein (p.His344Arg). ClinVar contains an entry for this variant (Variation ID: 1483536). In summary, the available evidence is currently insufficient to determine the role of this variant in disease. Therefore, it has been classified as a Variant of Uncertain Significance. Algorithms developed to predict the effect of missense changes on protein structure and function are either unavailable or do not agree on the potential impact of this missense change (SIFT: "Not Available"; PolyPhen-2: "Benign"; Align-GVGD: "Not Available").